The following is an entry in ClinVar:

NM_005559.4(LAMA1):c.8366C>T (p.Pro2789Leu)

Gene: LAMA1 (laminin subunit alpha 1; minus strand). Cytogenetic location: 18p11.31.
Variant type: single nucleotide variant.
Coding change: c.8366C>T on transcript NM_005559.4 (MANE Select); coding-DNA position 8366, C replaced by T.
Protein change: p.Pro2789Leu; replaces proline 2789 with leucine.
Molecular consequence: missense variant.
Genome position (GRCh38, 1-based): chr18:6,950,813, G>A on the plus strand (C>T on the coding strand, the complement: LAMA1 is on the minus strand). VCF-style: chr18-6950813-G-A. GRCh37 (hg19) VCF-style: chr18-6950812-G-A.
Other names: short protein forms P2789L.
Identifiers: ClinVar variation 1810549 (VCV001810549.1), dbSNP rs1054841671, ClinGen allele CA295772073.
Genomic context (GRCh38, chr18:6,950,813, plus strand): 5'-CAGCCACCACAAGCCTCCTGAGATCGTACCGTGTGCCACTTGCCATCACTGAGCAGTGCA[G>A]GGTGAGAGACCTTTGTTCTGCCTTTGCCAAGGTCAAACATGAAGTGGAGGCGGCCCCCGT-3'
Protein context (NP_005550.2, residues 2779-2799): LGKGRTKVSH[Pro2789Leu]ALLSDGKWHT

ClinVar aggregate classification (germline): Uncertain significance (1 of 4 stars; one submission).

Allele frequency attached by ClinVar (database versions not stated): gnomAD exomes below 0.00001.
gnomAD v4.1: 3 of 1,614,148 alleles (0.00019%); highest among the groups gnomAD compares: African/African-American, 0.0027%; no homozygotes.

Submission:

GeneDx
Classification: Uncertain significance. Last evaluated: 2022-07-08. Review status: criteria provided, single submitter. Criteria: GeneDx Variant Classification Process June 2021. Collection method: clinical testing. Allele origin: germline. Affected: yes.
Comment: Not observed at significant frequency in large population cohorts (gnomAD); In silico analysis supports that this missense variant has a deleterious effect on protein structure/function; Has not been previously published as pathogenic or benign to our knowledge